The following is an entry in ClinVar:

NM_000429.3(MAT1A):c.405+10C>G

Gene: MAT1A (methionine adenosyltransferase 1A; minus strand). Cytogenetic location: 10q22.3.
Variant type: single nucleotide variant.
Coding change: c.405+10C>G on transcript NM_000429.3 (MANE Select); 10 bases into the intron after coding-DNA position 405, C replaced by G.
Molecular consequence: intron variant.
Genome position (GRCh38, 1-based): chr10:80,280,670, G>C on the plus strand (C>G on the coding strand, the complement: MAT1A is on the minus strand). VCF-style: chr10-80280670-G-C. GRCh37 (hg19) VCF-style: chr10-82040426-G-C.
Identifiers: ClinVar variation 3047395 (VCV003047395.3), dbSNP rs777957218, ClinGen allele CA5576809.

ClinVar aggregate classification (germline): Likely benign. Review status: criteria provided, single submitter (1 of 4 stars). 2 submissions from 2 submitters: Likely benign (1). 1 of the submissions does not count toward it. Last evaluated 2026-05-27.

Conditions:
MAT1A-related disorder. Also called: MAT1A-related condition.

Allele frequency attached by ClinVar (database versions not stated): gnomAD exomes 0.00001; TOPMed 0.00001; ExAC 0.00002.
gnomAD v4.1: 14 of 1,603,568 alleles (0.00087%); highest among the groups gnomAD compares: Admixed American, 0.0017%; no homozygotes.

Submissions (2):

Women's Health and Genetics/Laboratory Corporation of America, LabCorp
Classification: Likely benign. Last evaluated: 2026-05-27. Review status: criteria provided, single submitter. Criteria: LabCorp Variant Classification Summary - May 2015. Collection method: clinical testing. Allele origin: germline.

PreventionGenetics, part of Exact Sciences
Classification: Likely benign for MAT1A-related condition. Last evaluated: 2020-06-12. Review status: no assertion criteria provided. Collection method: clinical testing. Allele origin: germline. Not counted in ClinVar's aggregate classification.
Comment: This variant is classified as likely benign based on ACMG/AMP sequence variant interpretation guidelines (Richards et al. 2015 PMID: 25741868, with internal and published modifications).